The following is an entry in ClinVar:

NM_000334.4(SCN4A):c.5027G>C (p.Cys1676Ser)

Genes: GH-LCR (growth hormone locus control region; plus strand), SCN4A (sodium voltage-gated channel alpha subunit 4; minus strand). Cytogenetic location: 17q23.3.
Variant type: single nucleotide variant.
Coding change: c.5027G>C on transcript NM_000334.4 (MANE Select); coding-DNA position 5027, G replaced by C.
Protein change: p.Cys1676Ser; replaces cysteine 1676 with serine.
Molecular consequence: missense variant.
Genome position (GRCh38, 1-based): chr17:63,941,255, C>G on the plus strand (G>C on the coding strand, the complement: SCN4A is on the minus strand). VCF-style: chr17-63941255-C-G. GRCh37 (hg19) VCF-style: chr17-62018615-C-G.
Other names: short protein forms C1676S.
Identifiers: ClinVar variation 2764899 (VCV002764899.3), dbSNP rs2509283650, ClinGen allele CA400614310.

ClinVar aggregate classification (germline): Uncertain significance (1 of 4 stars; one submission).

Conditions:
Hyperkalemic periodic paralysis. Also called: Familial hyperkalemic periodic paralysis; Gamstorp disease. Identifiers: Orphanet 682, MedGen C0238357, MONDO:0008224, OMIM 170500, HP:0007215.

Submission:

Labcorp Genetics (formerly Invitae), Labcorp
Classification: Uncertain significance for Hyperkalemic periodic paralysis. Last evaluated: 2023-10-03. Review status: criteria provided, single submitter. Criteria: Invitae Variant Classification Sherloc (09022015). Collection method: clinical testing. Allele origin: germline.
Comment: This sequence change replaces cysteine, which is neutral and slightly polar, with serine, which is neutral and polar, at codon 1676 of the SCN4A protein (p.Cys1676Ser). This variant is not present in population databases (gnomAD no frequency). This variant has not been reported in the literature in individuals affected with SCN4A-related conditions. Advanced modeling of protein sequence and biophysical properties (such as structural, functional, and spatial information, amino acid conservation, physicochemical variation, residue mobility, and thermodynamic stability) has been performed at Invitae for this missense variant, however the output from this modeling did not meet the statistical confidence thresholds required to predict the impact of this variant on SCN4A protein function. In summary, the available evidence is currently insufficient to determine the role of this variant in disease. Therefore, it has been classified as a Variant of Uncertain Significance.